The following is an entry in ClinVar:

ClinVar aggregate classification (germline): Uncertain significance (1 of 4 stars; one submission).

Conditions:
Muscle AMP deaminase deficiency (MMDD). Also called: ADENOSINE MONOPHOSPHATE DEAMINASE-1 DEFICIENCY, MYOPATHY DUE TO; AMPD1 DEFICIENCY; Myoadenylate deaminase deficiency, myopathy due to; Adenosine monophosphate deaminase 1 deficiency; AMP deaminase 1 deficiency; Adenosine Monophosphate Deaminase 1. Identifiers: Orphanet 45, MedGen C3714933, MONDO:0014220, OMIM 615511.

Submission:

Labcorp Genetics (formerly Invitae), Labcorp
Classification: Uncertain significance for Muscle AMP deaminase deficiency. Last evaluated: 2021-06-06. Review status: criteria provided, single submitter. Criteria: Invitae Variant Classification Sherloc (09022015). Collection method: clinical testing. Allele origin: germline.
Comment: In summary, the available evidence is currently insufficient to determine the role of this variant in disease. Therefore, it has been classified as a Variant of Uncertain Significance. Nucleotide substitutions within the consensus splice site are a relatively common cause of aberrant splicing (PMID: 17576681, 9536098). Algorithms developed to predict the effect of sequence changes on RNA splicing suggest that this variant may disrupt the consensus splice site, but this prediction has not been confirmed by published transcriptional studies. This variant has not been reported in the literature in individuals with AMPD1-related conditions. The frequency data for this variant in the population databases is considered unreliable, as metrics indicate poor data quality at this position in the ExAC database. This sequence change falls in intron 6 of the AMPD1 gene. It does not directly change the encoded amino acid sequence of the AMPD1 protein. It affects a nucleotide within the consensus splice site of the intron.

Literature cited by the submitters: PubMed 17576681; PubMed 9536098.

NM_000036.3(AMPD1):c.767+3_767+6del

Gene: AMPD1 (adenosine monophosphate deaminase 1; minus strand). Cytogenetic location: 1p13.2.
Variant type: Deletion.
Coding change: c.767+3_767+6del on transcript NM_000036.3 (MANE Select); bases 3 to 6 of the intron after coding-DNA position 767, 4 bases deleted (AAGT; older notation c.767+3_767+6delAAGT).
Molecular consequence: splice donor variant.
Genome position (GRCh38, 1-based): chr1:114,680,253-114,680,256, ACTT deleted on the plus strand (AAGT on the coding strand, the reverse complement: AMPD1 is on the minus strand); deleting any 4 consecutive bases within chr1:114,680,253-114,680,258 gives the same sequence; the c. name uses the placement nearest the transcript's 3' end. VCF-style (leftmost placement, unchanged base first): chr1-114680252-CACTT-C. GRCh37 (hg19) VCF-style: chr1-115222873-CACTT-C.
Other names: c.755+3_755+6del (NM_001172626.2).
Identifiers: ClinVar variation 1422475 (VCV001422475.5), dbSNP rs749694988, ClinGen allele CA1020324.